The following is an entry in ClinVar:

ClinVar aggregate classification (germline): Conflicting classifications of pathogenicity. Review status: criteria provided, conflicting classifications (1 of 4 stars). 3 submissions from 3 submitters: Uncertain significance (2); Likely benign (1). Last evaluated 2024-03-24.

Conditions:
Ehlers-Danlos syndrome, classic type, 1 (EDSCL1). Also called: EHLERS-DANLOS SYNDROME, GRAVIS TYPE; EHLERS-DANLOS SYNDROME, SEVERE CLASSIC TYPE; EDS I; Ehlers-Danlos Syndrome, Classic Type, COL5A1-Related; Ehlers-Danlos syndrome, type 1. Identifiers: MedGen C0268335, MONDO:0019567, OMIM 130000.
Ehlers-Danlos syndrome (EDS). Identifiers: Orphanet 98249, MedGen C0013720, MONDO:0020066.

Allele frequency attached by ClinVar (database versions not stated): TOPMed below 0.00001; gnomAD exomes below 0.00001.
gnomAD v4.1: 6 of 1,613,042 alleles (0.00037%); highest among the groups gnomAD compares: Non-Finnish European, 0.00051%; no homozygotes.

Submissions (3):

Labcorp Genetics (formerly Invitae), Labcorp
Classification: Likely benign for Ehlers-Danlos syndrome, classic type, 1. Last evaluated: 2024-03-24. Review status: criteria provided, single submitter. Criteria: Invitae Variant Classification Sherloc (09022015). Collection method: clinical testing. Allele origin: germline.

GeneDx
Classification: Uncertain significance. Last evaluated: 2023-11-28. Review status: criteria provided, single submitter. Criteria: GeneDx Variant Classification Process June 2021. Collection method: clinical testing. Allele origin: germline. Affected: yes.
Comment: Has not been previously published as pathogenic or benign to our knowledge; Not observed at significant frequency in large population cohorts (gnomAD); In silico analysis suggests this variant may impact gene splicing. In the absence of RNA/functional studies, the actual effect of this sequence change is unknown.

Genome Diagnostics Laboratory, The Hospital for Sick Children
Classification: Uncertain significance for Ehlers-Danlos syndrome. Last evaluated: 2020-02-01. Review status: criteria provided, single submitter. Criteria: ACMG Guidelines, 2015. Collection method: clinical testing. Allele origin: germline.

NM_000093.5(COL5A1):c.4347A>G (p.Gln1449=)

Gene: COL5A1 (collagen type V alpha 1 chain; plus strand). Cytogenetic location: 9q34.3.
Variant type: single nucleotide variant.
Coding change: c.4347A>G on transcript NM_000093.5 (MANE Select); coding-DNA position 4347, A replaced by G.
Protein change: p.Gln1449=; no amino-acid change (glutamine 1449 retained).
Molecular consequence: synonymous variant.
Genome position (GRCh38, 1-based): chr9:134,818,856, A>G. VCF-style: chr9-134818856-A-G. GRCh37 (hg19) VCF-style: chr9-137710702-A-G.
Other names: c.4347A>G (NM_000093.3); c.4347A>G, p.Gln1449= (NM_001278074.1).
Identifiers: ClinVar variation 1080184 (VCV001080184.14), dbSNP rs1300586902, ClinGen allele CA467664721.
Genomic context (GRCh38, chr9:134,818,856, plus strand): 5'-GAGTGGAGGGACGGGGGACCAGCAACTCATGCAGAGCGTCTCTGTGTTTCAGGGAGAACA[A>G]GGTCTCCCAGGATCCCCAGGCCCGGACGGTCCCCCCGGCCCCATGGTGAGTCACATTCCT-3'
Protein context (NP_000084.3, residues 1439-1459): LRGIPGPVGE[Gln1449=]GLPGSPGPDG